The following is an entry in ClinVar:

ClinVar aggregate classification (germline): Benign. Review status: criteria provided, single submitter (1 of 4 stars). 2 submissions from 2 submitters: Benign (1). 1 of the submissions does not count toward it. Last evaluated 2025-04-01.

Conditions:
MED13-related disorder. Also called: MED13-related condition.

Allele frequency attached by ClinVar (database versions not stated): ESP Exome Variant Server 0.00008; TOPMed 0.00009; gnomAD 0.00011; 1000 Genomes Project 30x 0.00016; gnomAD exomes 0.00016; 1000 Genomes Project 0.00020; ExAC 0.00026.
gnomAD v4.1: 264 of 1,614,216 alleles (0.016%); highest among the groups gnomAD compares: Middle Eastern, 0.31%; 2 homozygotes.

Submissions (2):

CeGaT Center for Human Genetics Tuebingen
Classification: Benign. Last evaluated: 2025-04-01. Review status: criteria provided, single submitter. Criteria: CeGaT Center For Human Genetics Tuebingen Variant Classification Criteria Version 2. Collection method: clinical testing. Allele origin: germline. Affected: yes. Observed: 1 variant allele.
Comment: MED13: BS1, BS2

PreventionGenetics, part of Exact Sciences
Classification: Likely benign for MED13-related condition. Last evaluated: 2022-05-06. Review status: no assertion criteria provided. Collection method: clinical testing. Allele origin: germline. Not counted in ClinVar's aggregate classification.
Comment: This variant is classified as likely benign based on ACMG/AMP sequence variant interpretation guidelines (Richards et al. 2015 PMID: 25741868, with internal and published modifications).

NM_005121.3(MED13):c.1681T>C (p.Tyr561His)

Gene: MED13 (mediator complex subunit 13; minus strand). Cytogenetic location: 17q23.2.
Variant type: single nucleotide variant.
Coding change: c.1681T>C on transcript NM_005121.3 (MANE Select); coding-DNA position 1681, T replaced by C.
Protein change: p.Tyr561His; replaces tyrosine 561 with histidine.
Molecular consequence: missense variant.
Genome position (GRCh38, 1-based): chr17:62,010,836, A>G on the plus strand (T>C on the coding strand, the complement: MED13 is on the minus strand). VCF-style: chr17-62010836-A-G. GRCh37 (hg19) VCF-style: chr17-60088197-A-G.
Other names: short protein forms Y561H.
Identifiers: ClinVar variation 3049007 (VCV003049007.9), dbSNP rs373796910, ClinGen allele CA8693003.